The following is an entry in ClinVar:

NM_005360.5(MAF):c.460G>A (p.Gly154Ser)

Gene: MAF (MAF bZIP transcription factor; minus strand). Cytogenetic location: 16q23.2.
Variant type: single nucleotide variant.
Coding change: c.460G>A on transcript NM_005360.5 (MANE Select); coding-DNA position 460, G replaced by A.
Protein change: p.Gly154Ser; replaces glycine 154 with serine.
Molecular consequence: missense variant.
Genome position (GRCh38, 1-based): chr16:79,599,443, C>T on the plus strand (G>A on the coding strand, the complement: MAF is on the minus strand). VCF-style: chr16-79599443-C-T. GRCh37 (hg19) VCF-style: chr16-79633340-C-T.
Other names: c.460G>A, p.Gly154Ser (NM_001031804.3); short protein forms G154S.
Identifiers: ClinVar variation 1313952 (VCV001313952.37), dbSNP rs1022938471, ClinGen allele CA284128622.

ClinVar aggregate classification (germline): Conflicting classifications of pathogenicity. Review status: criteria provided, conflicting classifications (1 of 4 stars). 6 submissions from 6 submitters: Uncertain significance (2); Likely benign (3). 1 of the submissions does not count toward it. Last evaluated 2026-01-03.

Conditions:
Inborn genetic diseases. Identifiers: MedGen C0950123, MeSH D030342.
Cataract 21 multiple types. Also called: CATARACT 21, MULTIPLE TYPES, WITH OR WITHOUT MICROCORNEA; CATARACT 21, CERULEAN, WITH OR WITHOUT MICROCORNEA; CATARACT 21, MULTIPLE TYPES, WITH MICROCORNEA; Cataract, congenital, cerulean type, 4. Identifiers: Orphanet 91492, MedGen C1857768, MONDO:0012437, OMIM 610202.
Ayme-Gripp syndrome. Also called: Aymé-Gripp Syndrome. Identifiers: MedGen C1832812, MONDO:0010992, OMIM 601088.
MAF-related disorder. Also called: MAF-related condition.

Allele frequency attached by ClinVar (database versions not stated): gnomAD exomes 0.00001; gnomAD 0.00011 and 0.00012; 1000 Genomes Project 30x 0.00016; TOPMed 0.00016.
gnomAD v4.1: 27 of 1,251,368 alleles (0.0022%); highest among the groups gnomAD compares: Admixed American, 0.1%; no homozygotes.

Submissions (6):

Labcorp Genetics (formerly Invitae), Labcorp
Classification: Likely benign for Cataract 21 multiple types; Ayme-Gripp syndrome. Last evaluated: 2026-01-03. Review status: criteria provided, single submitter. Criteria: Invitae Variant Classification Sherloc (09022015). Collection method: clinical testing. Allele origin: germline.

Women's Health and Genetics/Laboratory Corporation of America, LabCorp
Classification: Likely benign. Last evaluated: 2025-12-24. Review status: criteria provided, single submitter. Criteria: LabCorp Variant Classification Summary - May 2015. Collection method: clinical testing. Allele origin: germline.
Comment: Variant summary: MAF c.460G>A (p.Gly154Ser) results in a non-conservative amino acid change in the encoded protein sequence. Algorithms developed to predict the effect of missense changes on protein structure and function all suggest that this variant is likely to be disruptive. The variant allele was found at a frequency of 2.2e-05 in 1251368 control chromosomes. To our knowledge, no occurrence of c.460G>A in individuals affected with MAF-related conditions and no experimental evidence demonstrating its impact on protein function have been reported. ClinVar contains an entry for this variant (Variation ID: 1313952). Based on the evidence outlined above, the variant was classified as likely benign.

Ambry Genetics
Classification: Uncertain significance for Inborn genetic diseases. Last evaluated: 2024-03-04. Review status: criteria provided, single submitter. Criteria: Ambry Variant Classification Scheme 2023. Collection method: clinical testing. Allele origin: germline.

CeGaT Center for Human Genetics Tuebingen
Classification: Likely benign. Last evaluated: 2023-10-01. Review status: criteria provided, single submitter. Criteria: CeGaT Center For Human Genetics Tuebingen Variant Classification Criteria Version 2. Collection method: clinical testing. Allele origin: germline. Affected: yes. Observed: 1 variant allele.
Comment: MAF: PP2, PP3, BS1

GeneDx
Classification: Uncertain significance. Last evaluated: 2021-01-22. Review status: criteria provided, single submitter. Criteria: GeneDx Variant Classification Process June 2021. Collection method: clinical testing. Allele origin: germline. Affected: yes.
Comment: In silico analysis supports that this missense variant does not alter protein structure/function; Has not been previously published as pathogenic or benign to our knowledge

PreventionGenetics, part of Exact Sciences
Classification: Likely benign for MAF-related condition. Last evaluated: 2023-04-13. Review status: no assertion criteria provided. Collection method: clinical testing. Allele origin: germline. Not counted in ClinVar's aggregate classification.
Comment: This variant is classified as likely benign based on ACMG/AMP sequence variant interpretation guidelines (Richards et al. 2015 PMID: 25741868, with internal and published modifications).